The following is an entry in ClinVar:

ClinVar aggregate classification (germline): Uncertain significance (1 of 4 stars; one submission).

Conditions:
Martsolf syndrome (MARTS). Also called: Congenital cataract with intellectual disability and hypogonadotropic hypogonadism syndrome. Identifiers: Orphanet 1387, MedGen C0796037, MONDO:0023910.
Warburg micro syndrome 2 (WARBM2). Also called: MICRO SYNDROME 2. Identifiers: Orphanet 2510, MedGen C3280214, MONDO:0013641, OMIM 614225.

Allele frequency attached by ClinVar (database versions not stated): ExAC 0.00001; gnomAD 0.00001; gnomAD exomes 0.00001; TOPMed 0.00001.
gnomAD v4.1: 13 of 1,614,074 alleles (0.00081%); highest among the groups gnomAD compares: South Asian, 0.0022%; no homozygotes.

Submission:

Labcorp Genetics (formerly Invitae), Labcorp
Classification: Uncertain significance for Martsolf syndrome; Warburg micro syndrome 2. Last evaluated: 2022-11-22. Review status: criteria provided, single submitter. Criteria: Invitae Variant Classification Sherloc (09022015). Collection method: clinical testing. Allele origin: germline.
Comment: This sequence change replaces lysine, which is basic and polar, with arginine, which is basic and polar, at codon 906 of the RAB3GAP2 protein (p.Lys906Arg). This variant is present in population databases (rs769409654, gnomAD 0.003%). This variant has not been reported in the literature in individuals affected with RAB3GAP2-related conditions. Advanced modeling of protein sequence and biophysical properties (such as structural, functional, and spatial information, amino acid conservation, physicochemical variation, residue mobility, and thermodynamic stability) performed at Invitae indicates that this missense variant is not expected to disrupt RAB3GAP2 protein function. In summary, the available evidence is currently insufficient to determine the role of this variant in disease. Therefore, it has been classified as a Variant of Uncertain Significance.

NM_012414.4(RAB3GAP2):c.2717A>G (p.Lys906Arg)

Gene: RAB3GAP2 (RAB3 GTPase activating non-catalytic protein subunit 2; minus strand). Cytogenetic location: 1q41.
Variant type: single nucleotide variant.
Coding change: c.2717A>G on transcript NM_012414.4 (MANE Select); coding-DNA position 2717, A replaced by G.
Protein change: p.Lys906Arg; replaces lysine 906 with arginine.
Molecular consequence: missense variant.
Genome position (GRCh38, 1-based): chr1:220,170,981, T>C on the plus strand (A>G on the coding strand, the complement: RAB3GAP2 is on the minus strand). VCF-style: chr1-220170981-T-C. GRCh37 (hg19) VCF-style: chr1-220344323-T-C.
Other names: short protein forms K906R.
Identifiers: ClinVar variation 2189477 (VCV002189477.4), dbSNP rs769409654, ClinGen allele CA1402367.